The following is an entry in ClinVar:

ClinVar aggregate classification (germline): Benign (1 of 4 stars; one submission).

Allele frequency attached by ClinVar (database versions not stated): TOPMed 0.62721; 1000 Genomes Project 30x 0.64069; 1000 Genomes Project 0.64996; gnomAD 0.65219.
gnomAD v4.1: 97,062 of 152,136 alleles (64%); highest among the groups gnomAD compares: East Asian, 87%; 31,842 homozygotes.

Submission:

GeneDx
Classification: Benign. Last evaluated: 2018-06-14. Review status: criteria provided, single submitter. Criteria: GeneDx Variant Classification (06012015). Collection method: clinical testing. Allele origin: germline. Affected: yes.
Comment: This variant is considered likely benign or benign based on one or more of the following criteria: it is a conservative change, it occurs at a poorly conserved position in the protein, it is predicted to be benign by multiple in silico algorithms, and/or has population frequency not consistent with disease.

NM_018979.4(WNK1):c.1154-259T>A

Gene: WNK1 (WNK lysine deficient protein kinase 1; plus strand). Cytogenetic location: 12p13.33.
Variant type: single nucleotide variant.
Coding change: c.1154-259T>A on transcript NM_018979.4 (MANE Select); 259 bases into the intron before coding-DNA position 1154, T replaced by A.
Molecular consequence: intron variant.
Genome position (GRCh38, 1-based): chr12:829,744, T>A. VCF-style: chr12-829744-T-A. GRCh37 (hg19) VCF-style: chr12-938910-T-A.
Other names: c.1154-259T>A (NM_213655.5, NM_001184985.2, NM_014823.3).
Identifiers: ClinVar variation 681290 (VCV000681290.1), dbSNP rs7300056, ClinGen allele CA15731946.
Genomic context (GRCh38, chr12:829,744, plus strand): 5'-TTATATTAGTTTATTATCTTAGCCAAGGTTTTATTTTGGCATATTGTATAAAGAAATTCA[T>A]TTTACACAGTAAATCAATAAATAGATCCTTGACCTTATTCCAGTTTCATATAAAGGCCTT-3'